The following is an entry in ClinVar:

NM_001374385.1(ATP8B1):c.1819+10C>T

Gene: ATP8B1 (ATPase phospholipid transporting 8B1; minus strand). Cytogenetic location: 18q21.31.
Variant type: single nucleotide variant.
Coding change: c.1819+10C>T on transcript NM_001374385.1 (MANE Select); 10 bases into the intron after coding-DNA position 1819, C replaced by T.
Molecular consequence: intron variant.
Genome position (GRCh38, 1-based): chr18:57,674,824, G>A on the plus strand (C>T on the coding strand, the complement: ATP8B1 is on the minus strand). VCF-style: chr18-57674824-G-A. GRCh37 (hg19) VCF-style: chr18-55342056-G-A.
Other names: c.1819+10C>T (NM_005603.6); c.1669+10C>T (NM_001374386.1).
Identifiers: ClinVar variation 890631 (VCV000890631.9), dbSNP rs767885426, ClinGen allele CA8974468.
Genomic context (GRCh38, chr18:57,674,824, plus strand): 5'-CCACTCAATACAATGGGCACAAGCAACATCTAAATGAGCGATTCATAGACAGACTCTGAG[G>A]GGGACTTACCAATGATAGACATTCGCTTCCGGTCACTGTTGAAGTCCAAAATGGCAAGAA-3'

ClinVar aggregate classification (germline): Conflicting classifications of pathogenicity. Review status: criteria provided, conflicting classifications (1 of 4 stars). 3 submissions from 3 submitters: Uncertain significance (1); Likely benign (1). 1 of the submissions does not count toward it. Last evaluated 2024-02-07.

Conditions:
ATP8B1-related disorder. Also called: ATP8B1-related condition; ATP8B1-related disorders.
Progressive familial intrahepatic cholestasis type 1. Also called: BYLER DISEASE; Byler's disease; Severe ATP8B1 Deficiency (Progressive Familial Intrahepatic Cholestasis Type 1 [PFIC1]). Identifiers: Orphanet 79306, MedGen C4551898, MONDO:0008892, OMIM 211600.

Allele frequency attached by ClinVar (database versions not stated): gnomAD 0.00001; gnomAD exomes 0.00001 and 0.00005; TOPMed 0.00001; ExAC 0.00001.
gnomAD v4.1: 14 of 1,613,444 alleles (0.00087%); highest among the groups gnomAD compares: Admixed American, 0.02%; no homozygotes.

Submissions (3):

Labcorp Genetics (formerly Invitae), Labcorp
Classification: Likely benign. Last evaluated: 2024-02-07. Review status: criteria provided, single submitter. Criteria: Invitae Variant Classification Sherloc (09022015). Collection method: clinical testing. Allele origin: germline.

Illumina Laboratory Services, Illumina
Classification: Uncertain significance for Progressive familial intrahepatic cholestasis type 1. Last evaluated: 2018-01-13. Review status: criteria provided, single submitter. Criteria: ICSL Variant Classification Criteria 13 December 2019. Collection method: clinical testing. Allele origin: germline.

PreventionGenetics, part of Exact Sciences
Classification: Likely benign for ATP8B1-related condition. Last evaluated: 2023-02-21. Review status: no assertion criteria provided. Collection method: clinical testing. Allele origin: germline. Not counted in ClinVar's aggregate classification.
Comment: This variant is classified as likely benign based on ACMG/AMP sequence variant interpretation guidelines (Richards et al. 2015 PMID: 25741868, with internal and published modifications).